The following is an entry in ClinVar:

ClinVar aggregate classification (germline): Uncertain significance (1 of 4 stars; one submission).

Conditions:
Niemann-Pick disease, type C1. Also called: NIEMANN-PICK DISEASE, VARIANT TYPE C1; NEUROVISCERAL STORAGE DISEASE WITH VERTICAL SUPRANUCLEAR OPHTHALMOPLEGIA; NIEMANN-PICK DISEASE WITH CHOLESTEROL ESTERIFICATION BLOCK; NIEMANN-PICK DISEASE WITHOUT SPHINGOMYELINASE DEFICIENCY; NIEMANN-PICK DISEASE, CHRONIC NEURONOPATHIC FORM. Identifiers: Orphanet 646, MedGen C3179455, MONDO:0009757, OMIM 257220.

Allele frequency attached by ClinVar (database versions not stated): gnomAD exomes below 0.00001; ExAC 0.00001; gnomAD 0.00001.
gnomAD v4.1: 1 of 1,611,310 alleles (0.000062%); highest among the groups gnomAD compares: Non-Finnish European, 0.000085%; no homozygotes.

Submission:

Labcorp Genetics (formerly Invitae), Labcorp
Classification: Uncertain significance for Niemann-Pick disease, type C1. Last evaluated: 2021-10-28. Review status: criteria provided, single submitter. Criteria: Invitae Variant Classification Sherloc (09022015). Collection method: clinical testing. Allele origin: germline.
Comment: In summary, the available evidence is currently insufficient to determine the role of this variant in disease. Therefore, it has been classified as a Variant of Uncertain Significance. Advanced modeling of protein sequence and biophysical properties (such as structural, functional, and spatial information, amino acid conservation, physicochemical variation, residue mobility, and thermodynamic stability) performed at Invitae indicates that this missense variant is not expected to disrupt NPC1 protein function. This variant has not been reported in the literature in individuals affected with NPC1-related conditions. This variant is not present in population databases (gnomAD no frequency). This sequence change replaces glutamic acid, which is acidic and polar, with glutamine, which is neutral and polar, at codon 575 of the NPC1 protein (p.Glu575Gln).

NM_000271.5(NPC1):c.1723G>C (p.Glu575Gln)

Gene: NPC1 (NPC intracellular cholesterol transporter 1; minus strand). Cytogenetic location: 18q11.2.
Variant type: single nucleotide variant.
Coding change: c.1723G>C on transcript NM_000271.5 (MANE Select); coding-DNA position 1723, G replaced by C.
Protein change: p.Glu575Gln; replaces glutamic acid 575 with glutamine.
Molecular consequence: missense variant.
Genome position (GRCh38, 1-based): chr18:23,548,040, C>G on the plus strand (G>C on the coding strand, the complement: NPC1 is on the minus strand). VCF-style: chr18-23548040-C-G. GRCh37 (hg19) VCF-style: chr18-21128004-C-G.
Other names: short protein forms E575Q.
Identifiers: ClinVar variation 1467231 (VCV001467231.6), dbSNP rs767236379, ClinGen allele CA8913388.
Genomic context (GRCh38, chr18:23,548,040, plus strand): 5'-TCTGCTCACACCCATGAGTGACTCACTCTTTTTCCCAGGCCTGGGCCCTCTGGAGCTTCT[C>G]TGTATCATTATAGTAATTATTGACAGGGAAGGTAATCACAAGGGCAGTGGCGTTATTGTA-3'
Protein context (NP_000262.2, residues 565-585): FPVNNYYNDT[Glu575Gln]KLQRAQAWEK